The following is an entry in ClinVar:

NM_001367561.1(DOCK7):c.482A>G (p.Asp161Gly)

Gene: DOCK7 (dedicator of cytokinesis 7; minus strand). Cytogenetic location: 1p31.3.
Variant type: single nucleotide variant.
Coding change: c.482A>G on transcript NM_001367561.1 (MANE Select); coding-DNA position 482, A replaced by G.
Protein change: p.Asp161Gly; replaces aspartic acid 161 with glycine.
Molecular consequence: missense variant.
Genome position (GRCh38, 1-based): chr1:62,648,452, T>C on the plus strand (A>G on the coding strand, the complement: DOCK7 is on the minus strand). VCF-style: chr1-62648452-T-C. GRCh37 (hg19) VCF-style: chr1-63114123-T-C.
Other names: c.482A>G, p.Asp161Gly (NM_001271999.2, NM_001272000.2, NM_001272001.2 and 3 more transcripts); short protein forms D161G.
Identifiers: ClinVar variation 2049767 (VCV002049767.4), dbSNP rs979910273, ClinGen allele CA23790333.
Genomic context (GRCh38, chr1:62,648,452, plus strand): 5'-TTATTTAAGAATAAAAGTATTACTTGATCATCCTGGTAGCTGTTGCCATCTGGAGCTTCA[T>C]CAGATTCAAAAACTTGTTTTGGCAAACCTTTTTGCCTTTCTTTCTGTTTATCTAATGTAT-3'
Protein context (NP_001354490.1, residues 151-171): KGLPKQVFES[Asp161Gly]EAPDGNSYQD

ClinVar aggregate classification (germline): Uncertain significance (1 of 4 stars; one submission).

Conditions:
Developmental and epileptic encephalopathy, 23 (DEE23). Also called: Epileptic encephalopathy, early infantile, 23. Identifiers: Orphanet 411986, MedGen C4014492, MONDO:0014371, OMIM 615859.

Submission:

Labcorp Genetics (formerly Invitae), Labcorp
Classification: Uncertain significance for Developmental and epileptic encephalopathy, 23. Last evaluated: 2022-06-04. Review status: criteria provided, single submitter. Criteria: Invitae Variant Classification Sherloc (09022015). Collection method: clinical testing. Allele origin: germline.
Comment: Algorithms developed to predict the effect of sequence changes on RNA splicing suggest that this variant may create or strengthen a splice site. This sequence change replaces aspartic acid, which is acidic and polar, with glycine, which is neutral and non-polar, at codon 161 of the DOCK7 protein (p.Asp161Gly). This variant is present in population databases (no rsID available, gnomAD 0.001%). This variant has not been reported in the literature in individuals affected with DOCK7-related conditions. Algorithms developed to predict the effect of missense changes on protein structure and function are either unavailable or do not agree on the potential impact of this missense change (SIFT: "Tolerated"; PolyPhen-2: "Possibly Damaging"; Align-GVGD: "Class C0"). In summary, the available evidence is currently insufficient to determine the role of this variant in disease. Therefore, it has been classified as a Variant of Uncertain Significance.